The following is an entry in ClinVar:

NM_001329943.3(KIAA0586):c.82A>C (p.Asn28His)

Gene: KIAA0586 (KIAA0586; plus strand). Cytogenetic location: 14q23.1.
Variant type: single nucleotide variant.
Coding change: c.82A>C on transcript NM_001329943.3 (MANE Select); coding-DNA position 82, A replaced by C.
Protein change: p.Asn28His; replaces asparagine 28 with histidine.
Molecular consequence: missense variant. On other transcripts: intron variant (5).
Genome position (GRCh38, 1-based): chr14:58,428,346, A>C. VCF-style: chr14-58428346-A-C. GRCh37 (hg19) VCF-style: chr14-58895064-A-C.
Other names: c.118A>C, p.Asn40His (NM_001244189.2); c.37A>C, p.Asn13His (NM_001244190.2); c.82A>C, p.Asn28His (NM_001329944.2, NM_001329946.2, NM_001329947.2 and 1 more transcripts); c.-57+709A>C (NM_001244192.2, NM_001244191.2); c.-57+533A>C (NM_001364701.2, NM_001329945.2, NM_001364700.1); short protein forms N13H, N28H, N40H.
Identifiers: ClinVar variation 1911376 (VCV001911376.5), dbSNP rs768319068, ClinGen allele CA7205264.

ClinVar aggregate classification (germline): Uncertain significance (1 of 4 stars; one submission).

Conditions:
Short-rib thoracic dysplasia 14 with polydactyly (SRTD14). Identifiers: Orphanet 397715, MedGen C4225286, MONDO:0014688, OMIM 616546.
Joubert syndrome 23 (JBTS23). Identifiers: Orphanet 475, MedGen C4084822, MONDO:0014664, OMIM 616490.

Allele frequency attached by ClinVar (database versions not stated): gnomAD exomes below 0.00001; ExAC 0.00001.
gnomAD v4.1: 1 of 1,613,974 alleles (0.000062%); highest among the groups gnomAD compares: Admixed American, 0.0017%; no homozygotes.

Submission:

Labcorp Genetics (formerly Invitae), Labcorp
Classification: Uncertain significance for Joubert syndrome 23; Short-rib thoracic dysplasia 14 with polydactyly. Last evaluated: 2024-12-02. Review status: criteria provided, single submitter. Criteria: Invitae Variant Classification Sherloc (09022015). Collection method: clinical testing. Allele origin: germline.
Comment: This sequence change replaces asparagine, which is neutral and polar, with histidine, which is basic and polar, at codon 40 of the KIAA0586 protein (p.Asn40His). This variant is present in population databases (rs768319068, gnomAD 0.003%). This variant has not been reported in the literature in individuals affected with KIAA0586-related conditions. ClinVar contains an entry for this variant (Variation ID: 1911376). An algorithm developed to predict the effect of missense changes on protein structure and function (PolyPhen-2) suggests that this variant is likely to be disruptive. In summary, the available evidence is currently insufficient to determine the role of this variant in disease. Therefore, it has been classified as a Variant of Uncertain Significance.